The following is an entry in ClinVar:

NM_203447.4(DOCK8):c.1656A>G (p.Val552=)

Gene: DOCK8 (dedicator of cytokinesis 8; plus strand). Cytogenetic location: 9p24.3.
Variant type: single nucleotide variant.
Coding change: c.1656A>G on transcript NM_203447.4 (MANE Select); coding-DNA position 1656, A replaced by G.
Protein change: p.Val552=; no amino-acid change (valine 552 retained).
Molecular consequence: synonymous variant.
Genome position (GRCh38, 1-based): chr9:340,298, A>G. VCF-style: chr9-340298-A-G. GRCh37 (hg19) VCF-style: chr9-340298-A-G.
Other names: c.1452A>G, p.Val484= (NM_001190458.2, NM_001193536.2).
Identifiers: ClinVar variation 912463 (VCV000912463.34), dbSNP rs150595667, ClinGen allele CA4957812.
Genomic context (GRCh38, chr9:340,298, plus strand): 5'-CTTTCCTGAAAACCGGACACGCCCGCACAAAGAGATTTTGGAATTTCCAACACGAGAAGT[A>G]TATGTCCCTCACACTGTGTACAGGTAAGAAACACAGGCTCGGGCTGGGCGTGGTGGCTTA-3'
Protein context (NP_982272.2, residues 542-562): KEILEFPTRE[Val552=]YVPHTVYRNL

ClinVar aggregate classification (germline): Conflicting classifications of pathogenicity. Review status: criteria provided, conflicting classifications (1 of 4 stars). 4 submissions from 4 submitters: Uncertain significance (2); Likely benign (2). Last evaluated 2025-11-23.

Conditions:
Combined immunodeficiency due to DOCK8 deficiency (HIES2). Also called: DOCK8 Deficiency; HIES autosomal recessive; Hyper-IgE recurrent infection syndrome, autosomal recessive; HYPER-IgE RECURRENT INFECTION SYNDROME 2, AUTOSOMAL RECESSIVE; HYPER-IgE SYNDROME 2, AUTOSOMAL RECESSIVE, WITH RECURRENT INFECTIONS. Identifiers: Orphanet 217390, MedGen C4722305, MONDO:0009478, OMIM 243700.
DOCK8-related disorder. Also called: DOCK8-related condition.

Allele frequency attached by ClinVar (database versions not stated): ExAC 0.00002; gnomAD 0.00003; gnomAD exomes 0.00003; TOPMed 0.00005; ESP Exome Variant Server 0.00008.
gnomAD v4.1: 52 of 1,614,060 alleles (0.0032%); highest among the groups gnomAD compares: Middle Eastern, 0.016%; 1 homozygote.

Submissions (4):

Labcorp Genetics (formerly Invitae), Labcorp
Classification: Likely benign for Combined immunodeficiency due to DOCK8 deficiency. Last evaluated: 2025-11-23. Review status: criteria provided, single submitter. Criteria: Invitae Variant Classification Sherloc (09022015). Collection method: clinical testing. Allele origin: germline.

CeGaT Center for Human Genetics Tuebingen
Classification: Likely benign. Last evaluated: 2024-02-01. Review status: criteria provided, single submitter. Criteria: CeGaT Center For Human Genetics Tuebingen Variant Classification Criteria Version 2. Collection method: clinical testing. Allele origin: germline. Affected: yes. Observed: 1 variant allele.
Comment: DOCK8: BP4, BP7

PreventionGenetics, part of Exact Sciences
Classification: Uncertain significance for DOCK8-related condition. Last evaluated: 2022-09-06. Review status: criteria provided, single submitter. Criteria: ACMG Guidelines, 2015. Collection method: clinical testing. Allele origin: germline.
Comment: The DOCK8 c.1656A>G variant is not predicted to result in an amino acid change (p.=). To our knowledge, this variant has not been reported in the literature. This variant is reported in 0.0054% of alleles in individuals of European (Non-Finnish) descent in gnomAD. At this time, the clinical significance of this variant is uncertain due to the absence of conclusive functional and genetic evidence.

Illumina Laboratory Services, Illumina
Classification: Uncertain significance for Combined immunodeficiency due to DOCK8 deficiency. Last evaluated: 2018-01-13. Review status: criteria provided, single submitter. Criteria: ICSL Variant Classification Criteria 13 December 2019. Collection method: clinical testing. Allele origin: germline.